The following is an entry in ClinVar:

NM_001375405.1(CEP120):c.2648G>A (p.Arg883His)

Gene: CEP120 (centrosomal protein 120; minus strand). Cytogenetic location: 5q23.2.
Variant type: single nucleotide variant.
Coding change: c.2648G>A on transcript NM_001375405.1 (MANE Select); coding-DNA position 2648, G replaced by A.
Protein change: p.Arg883His; replaces arginine 883 with histidine.
Molecular consequence: missense variant. On other transcripts: non-coding transcript variant (1).
Genome position (GRCh38, 1-based): chr5:123,350,022, C>T on the plus strand (G>A on the coding strand, the complement: CEP120 is on the minus strand). VCF-style: chr5-123350022-C-T. GRCh37 (hg19) VCF-style: chr5-122685716-C-T.
Other names: c.2570G>A, p.Arg857His (NM_001166226.2); c.2513G>A, p.Arg838His (NM_001375406.1); c.2648G>A, p.Arg883His (NM_001375407.1, NM_153223.4); c.2075G>A, p.Arg692His (NM_001375408.1, NM_001375409.1); short protein forms R857H, R838H, R883H, R692H.
Identifiers: ClinVar variation 2723496 (VCV002723496.3), dbSNP rs368260761, ClinGen allele CA3386566.

ClinVar aggregate classification (germline): Uncertain significance (1 of 4 stars; one submission).

Conditions:
Short-rib thoracic dysplasia 13 with or without polydactyly (SRTD13). Identifiers: Orphanet 474, MedGen C4225378, MONDO:0014577, OMIM 616300.

Allele frequency attached by ClinVar (database versions not stated): TOPMed below 0.00001; ExAC 0.00001; gnomAD exomes 0.00001; ESP Exome Variant Server 0.00008.
gnomAD v4.1: 11 of 1,613,646 alleles (0.00068%); highest among the groups gnomAD compares: Middle Eastern, 0.017%; no homozygotes.

Submission:

Labcorp Genetics (formerly Invitae), Labcorp
Classification: Uncertain significance for Short-rib thoracic dysplasia 13 with or without polydactyly. Last evaluated: 2022-11-26. Review status: criteria provided, single submitter. Criteria: Invitae Variant Classification Sherloc (09022015). Collection method: clinical testing. Allele origin: germline.
Comment: Algorithms developed to predict the effect of missense changes on protein structure and function (SIFT, PolyPhen-2, Align-GVGD) all suggest that this variant is likely to be tolerated. This sequence change replaces arginine, which is basic and polar, with histidine, which is basic and polar, at codon 883 of the CEP120 protein (p.Arg883His). This variant is present in population databases (rs368260761, gnomAD 0.007%). This variant has not been reported in the literature in individuals affected with CEP120-related conditions. In summary, the available evidence is currently insufficient to determine the role of this variant in disease. Therefore, it has been classified as a Variant of Uncertain Significance.